The following is an entry in ClinVar:

NM_032608.7(MYO18B):c.4326G>C (p.Leu1442Phe)

Genes: MYO18B (myosin XVIIIB; plus strand), MYO18B-AS1 (MYO18B antisense RNA 1; minus strand). Cytogenetic location: 22q12.1.
Variant type: single nucleotide variant.
Coding change: c.4326G>C on transcript NM_032608.7 (MANE Select); coding-DNA position 4326, G replaced by C.
Protein change: p.Leu1442Phe; replaces leucine 1442 with phenylalanine.
Molecular consequence: missense variant.
Genome position (GRCh38, 1-based): chr22:25,890,767, G>C. VCF-style: chr22-25890767-G-C. GRCh37 (hg19) VCF-style: chr22-26286734-G-C.
Other names: c.4329G>C, p.Leu1443Phe (NM_001318245.2); short protein forms L1442F, L1443F.
Identifiers: ClinVar variation 3401356 (VCV003401356.2).

ClinVar aggregate classification (germline): Uncertain significance. Review status: criteria provided, multiple submitters, no conflicts (2 of 4 stars). 2 submissions from 2 submitters: Uncertain significance (2). Last evaluated 2025-05-30.

Conditions:
Inborn genetic diseases. Identifiers: MedGen C0950123, MeSH D030342.

gnomAD v4.1: 113 of 1,613,932 alleles (0.007%); highest among the groups gnomAD compares: Non-Finnish European, 0.0092%; no homozygotes.

Submissions (2):

Labcorp Genetics (formerly Invitae), Labcorp
Classification: Uncertain significance. Last evaluated: 2025-05-30. Review status: criteria provided, single submitter. Criteria: Invitae Variant Classification Sherloc (09022015). Collection method: clinical testing. Allele origin: germline.
Comment: This sequence change replaces leucine, which is neutral and non-polar, with phenylalanine, which is neutral and non-polar, at codon 1442 of the MYO18B protein (p.Leu1442Phe). This variant is present in population databases (rs547456006, gnomAD 0.005%). This variant has not been reported in the literature in individuals affected with MYO18B-related conditions. ClinVar contains an entry for this variant (Variation ID: 3401356). An algorithm developed to predict the effect of missense changes on protein structure and function (PolyPhen-2) suggests that this variant is likely to be disruptive. In summary, the available evidence is currently insufficient to determine the role of this variant in disease. Therefore, it has been classified as a Variant of Uncertain Significance.

Ambry Genetics
Classification: Uncertain significance for Inborn genetic diseases. Last evaluated: 2024-09-25. Review status: criteria provided, single submitter. Criteria: Ambry Variant Classification Scheme 2023. Collection method: clinical testing. Allele origin: germline.